The following is an entry in ClinVar:

NM_022552.5(DNMT3A):c.747G>T (p.Gln249His)

Gene: DNMT3A (DNA methyltransferase 3 alpha; minus strand). Cytogenetic location: 2p23.3.
Variant type: single nucleotide variant.
Coding change: c.747G>T on transcript NM_022552.5 (MANE Select); coding-DNA position 747, G replaced by T.
Protein change: p.Gln249His; replaces glutamine 249 with histidine.
Molecular consequence: missense variant. On other transcripts: non-coding transcript variant (1).
Genome position (GRCh38, 1-based): chr2:25,248,145, C>A on the plus strand (G>T on the coding strand, the complement: DNMT3A is on the minus strand). VCF-style: chr2-25248145-C-A. GRCh37 (hg19) VCF-style: chr2-25471014-C-A.
Other names: c.291G>T, p.Gln97His (NM_001320893.1); c.78G>T, p.Gln26His (NM_001375819.1); c.180G>T, p.Gln60His (NM_153759.3); c.747G>T, p.Gln249His (NM_175629.2); short protein forms Q249H, Q97H, Q26H, Q60H.
Identifiers: ClinVar variation 4617758 (VCV004617758.1).

ClinVar aggregate classification (germline): Uncertain significance (1 of 4 stars; one submission).

Conditions:
Inborn genetic diseases. Identifiers: MedGen C0950123, MeSH D030342.

Submission:

Ambry Genetics
Classification: Uncertain significance for Inborn genetic diseases. Last evaluated: 2025-10-14. Review status: criteria provided, single submitter. Criteria: Ambry Variant Classification Scheme 2023. Collection method: clinical testing. Allele origin: germline.
Comment: The p.Q249H variant (also known as c.747G>T), located in coding exon 6 of the DNMT3A gene, results from a G to T substitution at nucleotide position 747. The glutamine at codon 249 is replaced by histidine, an amino acid with highly similar properties. This amino acid position is conserved. In addition, the in silico prediction for this alteration is inconclusive. Based on the available evidence, the clinical significance of this variant remains unclear.